The following is an entry in ClinVar:

ClinVar aggregate classification (germline): Uncertain significance (1 of 4 stars; one submission).

Conditions:
Bethlem myopathy 1A. Also called: MYOPATHY, BENIGN CONGENITAL, WITH CONTRACTURES; Bethlem Muscular Dystrophy; Bethlem myopathy 1. Identifiers: Orphanet 610, MedGen CN029274, MONDO:0024530, OMIM 158810.

Submission:

Labcorp Genetics (formerly Invitae), Labcorp
Classification: Uncertain significance for Bethlem myopathy 1A. Last evaluated: 2025-01-06. Review status: criteria provided, single submitter. Criteria: Invitae Variant Classification Sherloc (09022015). Collection method: clinical testing. Allele origin: germline.
Comment: This sequence change replaces asparagine, which is neutral and polar, with serine, which is neutral and polar, at codon 1611 of the COL6A3 protein (p.Asn1611Ser). This variant is not present in population databases (gnomAD no frequency). This variant has not been reported in the literature in individuals affected with COL6A3-related conditions. ClinVar contains an entry for this variant (Variation ID: 1423312). Invitae Evidence Modeling of protein sequence and biophysical properties (such as structural, functional, and spatial information, amino acid conservation, physicochemical variation, residue mobility, and thermodynamic stability) indicates that this missense variant is not expected to disrupt COL6A3 protein function with a negative predictive value of 80%. In summary, the available evidence is currently insufficient to determine the role of this variant in disease. Therefore, it has been classified as a Variant of Uncertain Significance.

NM_004369.4(COL6A3):c.4832A>G (p.Asn1611Ser)

Gene: COL6A3 (collagen type VI alpha 3 chain; minus strand). Cytogenetic location: 2q37.3.
Variant type: single nucleotide variant.
Coding change: c.4832A>G on transcript NM_004369.4 (MANE Select); coding-DNA position 4832, A replaced by G.
Protein change: p.Asn1611Ser; replaces asparagine 1611 with serine.
Molecular consequence: missense variant.
Genome position (GRCh38, 1-based): chr2:237,368,631, T>C on the plus strand (A>G on the coding strand, the complement: COL6A3 is on the minus strand). VCF-style: chr2-237368631-T-C. GRCh37 (hg19) VCF-style: chr2-238277274-T-C.
Other names: c.3011A>G, p.Asn1004Ser (NM_057166.5); c.4214A>G, p.Asn1405Ser (NM_057167.4); short protein forms N1611S, N1405S, N1004S.
Identifiers: ClinVar variation 1423312 (VCV001423312.8), dbSNP rs2106352582, ClinGen allele CA351190828.